The following is an entry in ClinVar:

NM_153490.3(KRT13):c.897+6C>T

Gene: KRT13 (keratin 13; minus strand). Cytogenetic location: 17q21.2.
Variant type: single nucleotide variant.
Coding change: c.897+6C>T on transcript NM_153490.3 (MANE Select); 6 bases into the intron after coding-DNA position 897, C replaced by T.
Molecular consequence: intron variant.
Genome position (GRCh38, 1-based): chr17:41,502,931, G>A on the plus strand (C>T on the coding strand, the complement: KRT13 is on the minus strand). VCF-style: chr17-41502931-G-A. GRCh37 (hg19) VCF-style: chr17-39659183-G-A.
Other names: c.897+6C>T (NM_002274.4).
Identifiers: ClinVar variation 323084 (VCV000323084.10), dbSNP rs4796698, ClinGen allele CA8560616.

ClinVar aggregate classification (germline): Benign. Review status: criteria provided, multiple submitters, no conflicts (2 of 4 stars). 4 submissions from 4 submitters: Benign (4). Last evaluated 2021-08-19.

Conditions:
White sponge nevus 2 (WSN2). Identifiers: MedGen C4014321, MONDO:0014346, OMIM 615785.

Allele frequency attached by ClinVar (database versions not stated): ExAC 0.90603; 1000 Genomes Project 0.79992; TOPMed 0.80179; ESP Exome Variant Server 0.80755; gnomAD 0.82057 and 0.81266; gnomAD exomes 0.91319 and 0.93506; 1000 Genomes Project 30x 0.79138.

Submissions (4):

Genome-Nilou Lab
Classification: Benign for White sponge nevus 2. Last evaluated: 2021-08-19. Review status: criteria provided, single submitter. Criteria: ACMG Guidelines, 2015. Collection method: clinical testing. Allele origin: germline. Affected: no.

GeneDx
Classification: Benign. Last evaluated: 2018-11-12. Review status: criteria provided, single submitter. Criteria: GeneDx Variant Classification Process June 2021. Collection method: clinical testing. Allele origin: germline. Affected: yes.

Illumina Laboratory Services, Illumina
Classification: Benign for White sponge nevus 2. Last evaluated: 2018-01-13. Review status: criteria provided, single submitter. Criteria: ICSL Variant Classification Criteria 13 December 2019. Collection method: clinical testing. Allele origin: germline.
Comment: This variant was observed in the ICSL laboratory as part of a predisposition screen in an ostensibly healthy population. It had not been previously curated by ICSL or reported in the Human Gene Mutation Database (HGMD: prior to June 1st, 2018), and was therefore a candidate for classification through an automated scoring system. Utilizing variant allele frequency, disease prevalence and penetrance estimates, and inheritance mode, an automated score was calculated to assess if this variant is too frequent to cause the disease. Based on the score and internal cut-off values, a variant classified as benign is not then subjected to further curation. The score for this variant resulted in a classification of benign for this disease.

Breakthrough Genomics
Classification: Benign. Review status: criteria provided, single submitter. Criteria: ACMG Guidelines, 2015. Collection method: not provided. Allele origin: germline. Inheritance: Autosomal dominant inheritance. Affected: yes.